The following is an entry in ClinVar:

ClinVar aggregate classification (germline): Conflicting classifications of pathogenicity. Review status: criteria provided, conflicting classifications (1 of 4 stars). 4 submissions from 4 submitters: Uncertain significance (3); Likely benign (1). Last evaluated 2024-12-20.

Conditions:
Inborn genetic diseases. Identifiers: MedGen C0950123, MeSH D030342.

Allele frequency attached by ClinVar (database versions not stated): gnomAD exomes 0.00005; gnomAD 0.00013; TOPMed 0.00019; ESP Exome Variant Server 0.00023; 1000 Genomes Project 0.00040; 1000 Genomes Project 30x 0.00047.

Submissions (4):

Ambry Genetics
Classification: Likely benign for Inborn genetic diseases. Last evaluated: 2024-12-20. Review status: criteria provided, single submitter. Criteria: Ambry Variant Classification Scheme 2023. Collection method: clinical testing. Allele origin: germline.

Labcorp Genetics (formerly Invitae), Labcorp
Classification: Uncertain significance. Last evaluated: 2022-07-06. Review status: criteria provided, single submitter. Criteria: Invitae Variant Classification Sherloc (09022015). Collection method: clinical testing. Allele origin: germline.
Comment: This sequence change replaces arginine, which is basic and polar, with histidine, which is basic and polar, at codon 2004 of the HSPG2 protein (p.Arg2004His). This variant is present in population databases (rs139926503, gnomAD 0.03%). This variant has not been reported in the literature in individuals affected with HSPG2-related conditions. ClinVar contains an entry for this variant (Variation ID: 283809). Algorithms developed to predict the effect of missense changes on protein structure and function output the following: SIFT: "Tolerated"; PolyPhen-2: "Benign"; Align-GVGD: "Class C0". The histidine amino acid residue is found in multiple mammalian species, which suggests that this missense change does not adversely affect protein function. In summary, the available evidence is currently insufficient to determine the role of this variant in disease. Therefore, it has been classified as a Variant of Uncertain Significance.

Revvity Omics, Revvity
Classification: Uncertain significance. Last evaluated: 2020-03-11. Review status: criteria provided, single submitter. Criteria: ACMG Guidelines, 2015. Collection method: clinical testing. Allele origin: germline.

Eurofins Ntd Llc (ga)
Classification: Uncertain significance. Last evaluated: 2015-10-16. Review status: criteria provided, single submitter. Criteria: EGL Classification Definitions 2015. Collection method: clinical testing. Allele origin: germline. Observed: 1 variant allele, 1 heterozygote.

NM_005529.7(HSPG2):c.6011G>A (p.Arg2004His)

Gene: HSPG2 (heparan sulfate proteoglycan 2; minus strand). Cytogenetic location: 1p36.12.
Variant type: single nucleotide variant.
Coding change: c.6011G>A on transcript NM_005529.7 (MANE Select); coding-DNA position 6011, G replaced by A.
Protein change: p.Arg2004His; replaces arginine 2004 with histidine.
Molecular consequence: missense variant.
Genome position (GRCh38, 1-based): chr1:21,854,970, C>T on the plus strand (G>A on the coding strand, the complement: HSPG2 is on the minus strand). VCF-style: chr1-21854970-C-T. GRCh37 (hg19) VCF-style: chr1-22181463-C-T.
Other names: c.6011G>A (NM_005529.5); c.6014G>A, p.Arg2005His (NM_001291860.2); short protein forms R2004H, R2005H.
Identifiers: ClinVar variation 283809 (VCV000283809.13), dbSNP rs139926503, ClinGen allele CA671704.